The following is an entry in ClinVar:

NM_052865.4(MGME1):c.161_165del (p.Asn54fs)

Genes: MGME1 (mitochondrial genome maintenance exonuclease 1; plus strand), LOC126862983 (CDK7 strongly-dependent group 2 enhancer GRCh37_chr20:17950167-17951366; plus strand). Cytogenetic location: 20p11.23.
Variant type: Deletion.
Coding change: c.161_165del on transcript NM_052865.4 (MANE Select); coding-DNA positions 161 to 165, 5 bases deleted (ATTTA; older notation c.161_165delATTTA).
Protein change: p.Asn54fs; shifts the reading frame from asparagine 54.
Molecular consequence: frameshift variant.
Genome position (GRCh38, 1-based): chr20:17,970,020-17,970,024, ATTTA deleted; deleting any 5 consecutive bases within chr20:17,970,018-17,970,024 gives the same sequence; the c. name uses the placement nearest the transcript's 3' end. VCF-style (leftmost placement, unchanged base first): chr20-17970017-CTAATT-C. GRCh37 (hg19) VCF-style: chr20-17950660-CTAATT-C.
Other names: c.161_165del, p.Asn54fs (NM_001310338.2, NM_001310339.2, NM_001363738.2); short protein forms N54fs.
Identifiers: ClinVar variation 1902149 (VCV001902149.5), dbSNP rs1192636711, ClinGen allele CA635264526.

ClinVar aggregate classification (germline): Pathogenic (1 of 4 stars; one submission).

Submission:

Labcorp Genetics (formerly Invitae), Labcorp
Classification: Pathogenic. Last evaluated: 2022-04-10. Review status: criteria provided, single submitter. Criteria: Invitae Variant Classification Sherloc (09022015). Collection method: clinical testing. Allele origin: germline.
Comment: For these reasons, this variant has been classified as Pathogenic. This variant has not been reported in the literature in individuals affected with MGME1-related conditions. This variant is present in population databases (no rsID available, gnomAD 0.01%). This sequence change creates a premature translational stop signal (p.Asn54Serfs*31) in the MGME1 gene. It is expected to result in an absent or disrupted protein product. Loss-of-function variants in MGME1 are known to be pathogenic (PMID: 23313956).

Literature cited by the submitters: PubMed 23313956.